The following is an entry in ClinVar:

NM_001349798.2(FBXW7):c.626T>C (p.Phe209Ser)

Gene: FBXW7 (F-box and WD repeat domain containing 7; minus strand). Cytogenetic location: 4q31.3.
Variant type: single nucleotide variant.
Coding change: c.626T>C on transcript NM_001349798.2 (MANE Select); coding-DNA position 626, T replaced by C.
Protein change: p.Phe209Ser; replaces phenylalanine 209 with serine.
Molecular consequence: missense variant.
Genome position (GRCh38, 1-based): chr4:152,347,030, A>G on the plus strand (T>C on the coding strand, the complement: FBXW7 is on the minus strand). VCF-style: chr4-152347030-A-G. GRCh37 (hg19) VCF-style: chr4-153268182-A-G.
Other names: c.272T>C, p.Phe91Ser (NM_001013415.2); c.386T>C, p.Phe129Ser (NM_018315.5); c.626T>C, p.Phe209Ser (NM_033632.3); short protein forms F129S, F209S, F91S.
Identifiers: ClinVar variation 3363258 (VCV003363258.1).

ClinVar aggregate classification (germline): Uncertain significance (1 of 4 stars; one submission).

gnomAD v4.1: 1 of 1,613,520 alleles (0.000062%); highest among the groups gnomAD compares: Non-Finnish European, 0.000085%; no homozygotes.

Submission:

GeneDx
Classification: Uncertain significance. Last evaluated: 2023-10-24. Review status: criteria provided, single submitter. Criteria: GeneDx Variant Classification Process June 2021. Collection method: clinical testing. Allele origin: germline. Affected: yes.
Comment: Not observed at significant frequency in large population cohorts (gnomAD); In silico analysis supports that this missense variant does not alter protein structure/function; Has not been previously published as pathogenic or benign to our knowledge